The following is an entry in ClinVar:

NM_002439.5(MSH3):c.433G>A (p.Ala145Thr)

Gene: MSH3 (mutS homolog 3; plus strand). Cytogenetic location: 5q14.1.
Variant type: single nucleotide variant.
Coding change: c.433G>A on transcript NM_002439.5 (MANE Select); coding-DNA position 433, G replaced by A.
Protein change: p.Ala145Thr; replaces alanine 145 with threonine.
Molecular consequence: missense variant.
Genome position (GRCh38, 1-based): chr5:80,665,217, G>A. VCF-style: chr5-80665217-G-A. GRCh37 (hg19) VCF-style: chr5-79961036-G-A.
Other names: short protein forms A145T.
Identifiers: ClinVar variation 1471911 (VCV001471911.8), dbSNP rs1580546606, ClinGen allele CA360263380.
Genomic context (GRCh38, chr5:80,665,217, plus strand): 5'-CTGAGGACCAGGAATGTTTCAAAGTCTCTGGAAAAATTGAAAGAATTCTGCTGCGATTCT[G>A]CCCTTCCTCAAAGTAGAGTCCAGACAGAATCTCTGCAGGAGAGATTTGCAGTTCTGCCAA-3'
Protein context (NP_002430.3, residues 135-155): EKLKEFCCDS[Ala145Thr]LPQSRVQTES

ClinVar aggregate classification (germline): Uncertain significance (1 of 4 stars; one submission).

Submission:

Labcorp Genetics (formerly Invitae), Labcorp
Classification: Uncertain significance. Last evaluated: 2025-09-22. Review status: criteria provided, single submitter. Criteria: Invitae Variant Classification Sherloc (09022015). Collection method: clinical testing. Allele origin: germline.
Comment: This sequence change replaces alanine, which is neutral and non-polar, with threonine, which is neutral and polar, at codon 145 of the MSH3 protein (p.Ala145Thr). This variant is not present in population databases (gnomAD no frequency). This variant has not been reported in the literature in individuals affected with MSH3-related conditions. ClinVar contains an entry for this variant (Variation ID: 1471911). An algorithm developed to predict the effect of missense changes on protein structure and function (PolyPhen-2) suggests that this variant is likely to be disruptive. In summary, the available evidence is currently insufficient to determine the role of this variant in disease. Therefore, it has been classified as a Variant of Uncertain Significance.